The following is an entry in ClinVar:

NM_024041.4(SCNM1):c.521C>T (p.Ala174Val)

Genes: SCNM1 (sodium channel modifier 1; plus strand), TNFAIP8L2-SCNM1 (TNFAIP8L2-SCNM1 readthrough; plus strand). Cytogenetic location: 1q21.3.
Variant type: single nucleotide variant.
Coding change: c.521C>T on transcript NM_024041.4 (MANE Select); coding-DNA position 521, C replaced by T.
Protein change: p.Ala174Val; replaces alanine 174 with valine.
Molecular consequence: missense variant. On other transcripts: non-coding transcript variant (2).
Genome position (GRCh38, 1-based): chr1:151,168,266, C>T. VCF-style: chr1-151168266-C-T. GRCh37 (hg19) VCF-style: chr1-151140742-C-T.
Other names: c.416C>T, p.Ala139Val (NM_001204848.2, NM_001204856.2); short protein forms A139V, A174V.
Identifiers: ClinVar variation 2639169 (VCV002639169.24), dbSNP rs138637165, ClinGen allele CA1086440.
Genomic context (GRCh38, chr1:151,168,266, plus strand): 5'-AAAGTGGGAAGATCAGTAGGGAACCTGAACCTGCGGCTGGCCCACAGGCCGAGGAGTCAG[C>T]AACTGTCTCAGCCCCTGCACCCATGAGCCCCACAAGAAGACGAGCCCTGGACCATTATCT-3'
Protein context (NP_076946.1, residues 164-184): PAAGPQAEES[Ala174Val]TVSAPAPMSP

ClinVar aggregate classification (germline): Likely benign (1 of 4 stars; one submission).

Allele frequency attached by ClinVar (database versions not stated): 1000 Genomes Project 30x 0.00297; 1000 Genomes Project 0.00319; gnomAD 0.00359; TOPMed 0.00365; ExAC 0.00421; ESP Exome Variant Server 0.00423; gnomAD exomes 0.00542.

Submission:

CeGaT Center for Human Genetics Tuebingen
Classification: Likely benign. Last evaluated: 2026-08-01. Review status: criteria provided, single submitter. Criteria: CeGaT Center For Human Genetics Tuebingen Variant Classification Criteria Version 2. Collection method: clinical testing. Allele origin: germline. Affected: yes. Observed: 3 variant alleles.
Comment: TNFAIP8L2-SCNM1: BP4, BS2; SCNM1: BP4, BS2